The following is an entry in ClinVar:

ClinVar aggregate classification (germline): Uncertain significance (1 of 4 stars; one submission).

gnomAD v4.1: 6 of 1,610,178 alleles (0.00037%); highest among the groups gnomAD compares: Middle Eastern, 0.017%; no homozygotes.

Submission:

Labcorp Genetics (formerly Invitae), Labcorp
Classification: Uncertain significance. Last evaluated: 2022-08-04. Review status: criteria provided, single submitter. Criteria: Invitae Variant Classification Sherloc (09022015). Collection method: clinical testing. Allele origin: germline.
Comment: Algorithms developed to predict the effect of missense changes on protein structure and function are either unavailable or do not agree on the potential impact of this missense change (SIFT: "Not Available"; PolyPhen-2: "Possibly Damaging"; Align-GVGD: "Not Available"). In summary, the available evidence is currently insufficient to determine the role of this variant in disease. Therefore, it has been classified as a Variant of Uncertain Significance. This variant has not been reported in the literature in individuals affected with CEP250-related conditions. This variant is not present in population databases (gnomAD no frequency). This sequence change replaces arginine, which is basic and polar, with serine, which is neutral and polar, at codon 2020 of the CEP250 protein (p.Arg2020Ser).

NM_007186.6(CEP250):c.6060G>T (p.Arg2020Ser)

Gene: CEP250 (centrosomal protein 250; plus strand). Cytogenetic location: 20q11.22.
Variant type: single nucleotide variant.
Coding change: c.6060G>T on transcript NM_007186.6 (MANE Select); coding-DNA position 6060, G replaced by T.
Protein change: p.Arg2020Ser; replaces arginine 2020 with serine.
Molecular consequence: missense variant.
Genome position (GRCh38, 1-based): chr20:35,504,429, G>T. VCF-style: chr20-35504429-G-T. GRCh37 (hg19) VCF-style: chr20-34092257-G-T.
Other names: c.4164G>T, p.Arg1388Ser (NM_001318219.1); short protein forms R1388S, R2020S.
Identifiers: ClinVar variation 1718511 (VCV001718511.5), dbSNP rs1247951892, ClinGen allele CA408755803.